The following is an entry in ClinVar:

NM_001148.6(ANK2):c.10161A>C (p.Arg3387Ser)

Gene: ANK2 (ankyrin 2; plus strand). Cytogenetic location: 4q26.
Variant type: single nucleotide variant.
Coding change: c.10161A>C on transcript NM_001148.6 (MANE Select); coding-DNA position 10161, A replaced by C.
Protein change: p.Arg3387Ser; replaces arginine 3387 with serine.
Molecular consequence: missense variant. On other transcripts: intron variant (68).
Genome position (GRCh38, 1-based): chr4:113,358,779, A>C. VCF-style: chr4-113358779-A-C. GRCh37 (hg19) VCF-style: chr4-114279935-A-C.
Other names: c.9927A>C, p.Arg3309Ser (NM_001386142.1); c.6561A>C, p.Arg2187Ser (NM_001386166.1); c.10302A>C, p.Arg3434Ser (NM_001386174.1); c.10278A>C, p.Arg3426Ser (NM_001386175.1); c.4412-2044A>C (NM_001386186.2, NM_001386148.2); c.4214-2044A>C (NM_001354269.3); c.4292-2044A>C (NM_001386187.2); c.4253-2044A>C (NM_001386147.1); and 35 more; short protein forms R3426S, R2187S, R3387S, R3309S, R3434S.
Identifiers: ClinVar variation 4613557 (VCV004613557.1).

ClinVar aggregate classification (germline): Uncertain significance (1 of 4 stars; one submission).

Conditions:
Cardiovascular phenotype. Identifiers: MedGen CN230736.

gnomAD v4.1: 3 of 1,614,080 alleles (0.00019%); highest among the groups gnomAD compares: Middle Eastern, 0.049%; no homozygotes.

Submission:

Ambry Genetics
Classification: Uncertain significance for Cardiovascular phenotype. Last evaluated: 2025-10-29. Review status: criteria provided, single submitter. Criteria: Ambry Variant Classification Scheme 2023. Collection method: clinical testing. Allele origin: germline.
Comment: The p.R3387S variant (also known as c.10161A>C), located in coding exon 38 of the ANK2 gene, results from an A to C substitution at nucleotide position 10161. The arginine at codon 3387 is replaced by serine, an amino acid with dissimilar properties. This amino acid position is conserved. In addition, the in silico prediction for this alteration is inconclusive. Based on the available evidence, the clinical significance of this variant remains unclear.